The following is an entry in ClinVar:

ClinVar aggregate classification (germline): Likely benign (0 of 4 stars; one submission).

Conditions:
TBX3-related disorder. Also called: TBX3-related condition.

Submission:

PreventionGenetics, part of Exact Sciences
Classification: Likely benign for TBX3-related condition. Last evaluated: 2023-09-25. Review status: no assertion criteria provided. Collection method: clinical testing. Allele origin: germline.
Comment: This variant is classified as likely benign based on ACMG/AMP sequence variant interpretation guidelines (Richards et al. 2015 PMID: 25741868, with internal and published modifications).

NC_000012.12:g.114684338G>A

Genes: TBX3 (T-box transcription factor 3; minus strand), TBX3-AS1 (TBX3 antisense RNA 1; plus strand), LOC109286556 (TBX3 promoter region; plus strand). Cytogenetic location: 12q24.21.
Variant type: single nucleotide variant.
Genome position: GRCh38 VCF-style: chr12-114684338-G-A. GRCh37 (hg19) VCF-style: chr12-115122143-G-A.
Identifiers: ClinVar variation 3349412 (VCV003349412.1).